The following is an entry in ClinVar:

NM_004304.5(ALK):c.1689C>A (p.Asn563Lys)

Gene: ALK (ALK receptor tyrosine kinase; minus strand). Cytogenetic location: 2p23.2.
Variant type: single nucleotide variant.
Coding change: c.1689C>A on transcript NM_004304.5 (MANE Select); coding-DNA position 1689, C replaced by A.
Protein change: p.Asn563Lys; replaces asparagine 563 with lysine.
Molecular consequence: missense variant.
Genome position (GRCh38, 1-based): chr2:29,297,016, G>T on the plus strand (C>A on the coding strand, the complement: ALK is on the minus strand). VCF-style: chr2-29297016-G-T. GRCh37 (hg19) VCF-style: chr2-29519882-G-T.
Other names: c.1689C>A (NM_004304.4); short protein forms N563K.
Identifiers: ClinVar variation 1896699 (VCV001896699.7), dbSNP rs565743321, ClinGen allele CA1594559.
Genomic context (GRCh38, chr2:29,297,016, plus strand): 5'-ATGCCAGACCATCCTGCCTTGCTCCTTCCCGGTTTTGTTCTCCACTAGCACCAAGGACAC[G>T]TTTCCCCTCAAGACTCCACGAATGAGCCAGGACATTCGGAGCTGTGAGGGCGAGAAGAGT-3'
Protein context (NP_004295.2, residues 553-573): SWLIRGVLRG[Asn563Lys]VSLVLVENKT

ClinVar aggregate classification (germline): Conflicting classifications of pathogenicity. Review status: criteria provided, conflicting classifications (1 of 4 stars). 3 submissions from 3 submitters: Uncertain significance (2); Likely benign (1). Last evaluated 2025-05-01.

Conditions:
Hereditary cancer-predisposing syndrome. Also called: Tumor predisposition; Neoplastic Syndromes, Hereditary; Hereditary neoplastic syndrome; Hereditary Cancer Syndrome. Identifiers: Orphanet 140162, MedGen C0027672, MeSH D009386, MONDO:0015356.
Neuroblastoma, susceptibility to, 3. Also called: ALK-Related Neuroblastic Tumor Susceptibility. Identifiers: Orphanet 635, MedGen C2751681, MONDO:0013083, OMIM 613014.

gnomAD v4.1: 3 of 1,614,160 alleles (0.00019%); highest among the groups gnomAD compares: East Asian, 0.0022%; no homozygotes.

Submissions (3):

Ambry Genetics
Classification: Likely benign for Hereditary cancer-predisposing syndrome. Last evaluated: 2025-05-01. Review status: criteria provided, single submitter. Criteria: Ambry Variant Classification Scheme 2023. Collection method: clinical testing. Allele origin: germline.

Labcorp Genetics (formerly Invitae), Labcorp
Classification: Uncertain significance for Neuroblastoma, susceptibility to, 3. Last evaluated: 2025-05-01. Review status: criteria provided, single submitter. Criteria: Invitae Variant Classification Sherloc (09022015). Collection method: clinical testing. Allele origin: germline.
Comment: This sequence change replaces asparagine, which is neutral and polar, with lysine, which is basic and polar, at codon 563 of the ALK protein (p.Asn563Lys). This variant is present in population databases (rs565743321, gnomAD 0.003%). This variant has not been reported in the literature in individuals affected with ALK-related conditions. ClinVar contains an entry for this variant (Variation ID: 1896699). An algorithm developed to predict the effect of missense changes on protein structure and function (PolyPhen-2) suggests that this variant is likely to be disruptive. In summary, the available evidence is currently insufficient to determine the role of this variant in disease. Therefore, it has been classified as a Variant of Uncertain Significance.

Baylor Genetics
Classification: Uncertain significance for Neuroblastoma, susceptibility to, 3. Last evaluated: 2024-01-23. Review status: criteria provided, single submitter. Criteria: ACMG Guidelines, 2015. Collection method: clinical testing. Allele origin: unknown.